The following is an entry in ClinVar:

ClinVar aggregate classification (germline): Uncertain significance (1 of 4 stars; one submission).

Conditions:
Combined immunodeficiency due to DOCK8 deficiency (HIES2). Also called: HIES autosomal recessive; HYPER-IgE RECURRENT INFECTION SYNDROME 2, AUTOSOMAL RECESSIVE; Hyper-IgE recurrent infection syndrome, autosomal recessive; HYPER-IgE SYNDROME 2, AUTOSOMAL RECESSIVE, WITH RECURRENT INFECTIONS; DOCK8 Deficiency. Identifiers: Orphanet 217390, MedGen C4722305, MONDO:0009478, OMIM 243700.

Submission:

Labcorp Genetics (formerly Invitae), Labcorp
Classification: Uncertain significance for Combined immunodeficiency due to DOCK8 deficiency. Last evaluated: 2025-12-17. Review status: criteria provided, single submitter. Criteria: Invitae Variant Classification Sherloc (09022015). Collection method: clinical testing. Allele origin: germline.
Comment: This sequence change replaces proline, which is neutral and non-polar, with leucine, which is neutral and non-polar, at codon 1620 of the DOCK8 protein (p.Pro1620Leu). This variant is not present in population databases (gnomAD no frequency). This variant has not been reported in the literature in individuals affected with DOCK8-related conditions. Invitae Evidence Modeling of protein sequence and biophysical properties (such as structural, functional, and spatial information, amino acid conservation, physicochemical variation, residue mobility, and thermodynamic stability) indicates that this missense variant is expected to disrupt DOCK8 protein function with a positive predictive value of 80%. In summary, the available evidence is currently insufficient to determine the role of this variant in disease. Therefore, it has been classified as a Variant of Uncertain Significance.

NM_203447.4(DOCK8):c.4859C>T (p.Pro1620Leu)

Gene: DOCK8 (dedicator of cytokinesis 8; plus strand). Cytogenetic location: 9p24.3.
Variant type: single nucleotide variant.
Coding change: c.4859C>T on transcript NM_203447.4 (MANE Select); coding-DNA position 4859, C replaced by T.
Protein change: p.Pro1620Leu; replaces proline 1620 with leucine.
Molecular consequence: missense variant.
Genome position (GRCh38, 1-based): chr9:433,948, C>T. VCF-style: chr9-433948-C-T. GRCh37 (hg19) VCF-style: chr9-433948-C-T.
Other names: c.4559C>T, p.Pro1520Leu (NM_001190458.2); c.4655C>T, p.Pro1552Leu (NM_001193536.2); short protein forms P1520L, P1552L, P1620L.
Identifiers: ClinVar variation 4803378 (VCV004803378.1).